The following is an entry in ClinVar:

ClinVar aggregate classification (germline): Conflicting classifications of pathogenicity. Review status: criteria provided, conflicting classifications (1 of 4 stars). 2 submissions from 2 submitters: Likely pathogenic (1); Uncertain significance (1). Last evaluated 2025-04-02.

Conditions:
Hereditary cancer-predisposing syndrome. Also called: Neoplastic Syndromes, Hereditary; Tumor predisposition; Hereditary neoplastic syndrome; Hereditary Cancer Syndrome. Identifiers: Orphanet 140162, MedGen C0027672, MeSH D009386, MONDO:0015356.
Familial adenomatous polyposis 1 (FAP1). Also called: FAMILIAL ADENOMATOUS POLYPOSIS 1, ATTENUATED; POLYPOSIS, ADENOMATOUS INTESTINAL. Identifiers: MedGen C2713442, MONDO:0021056, OMIM 175100. Disease mechanism: loss of function.

Submissions (2):

Ambry Genetics
Classification: Likely pathogenic for Hereditary cancer-predisposing syndrome. Last evaluated: 2025-04-02. Review status: criteria provided, single submitter. Criteria: Ambry Variant Classification Scheme 2023. Collection method: clinical testing. Allele origin: germline.
Comment: The p.G53V variant (also known as c.158G>T), located in coding exon 2 of the APC gene, results from a G to T substitution at nucleotide position 158. The glycine at codon 53 is replaced by valine, an amino acid with dissimilar properties. This nucleotide position is highly conserved in available vertebrate species. This amino acid position is highly conserved in available vertebrate species. In silico splice site analysis predicts that this alteration will result in the creation or strengthening of a novel splice donor site. RNA studies have demonstrated that this alteration results in abnormal splicing in the set of samples tested (Ambry internal data). In addition, in silico predictors for the missense impact for this gene do not accurately predict pathogenicity. Based on the majority of available evidence to date, this variant is likely to be pathogenic. However, alterations resulting in aberrant splicing in this region are associated with an attenuated phenotype and may have reduced penetrance compared to classic familial adenomatous polyposis syndrome. Clinical correlation is advised.

Labcorp Genetics (formerly Invitae), Labcorp
Classification: Uncertain significance for Familial adenomatous polyposis 1. Last evaluated: 2019-02-10. Review status: criteria provided, single submitter. Criteria: Invitae Variant Classification Sherloc (09022015). Collection method: clinical testing. Allele origin: germline.
Comment: In summary, the available evidence is currently insufficient to determine the role of this variant in disease. Therefore, it has been classified as a Variant of Uncertain Significance. Algorithms developed to predict the effect of sequence changes on RNA splicing suggest that this variant may create or strengthen a splice site, but this prediction has not been confirmed by published transcriptional studies. Algorithms developed to predict the effect of missense changes on protein structure and function are either unavailable or do not agree on the potential impact of this missense change (SIFT: "Deleterious"; PolyPhen-2: "Possibly Damaging"; Align-GVGD: "Class C0"). This variant has not been reported in the literature in individuals with APC-related conditions. This variant is not present in population databases (ExAC no frequency). This sequence change replaces glycine with valine at codon 53 of the APC protein (p.Gly53Val). The glycine residue is highly conserved and there is a moderate physicochemical difference between glycine and valine.

NM_000038.6(APC):c.158G>T (p.Gly53Val)

Gene: APC (APC regulator of Wnt signaling pathway; plus strand). Cytogenetic location: 5q22.2.
Variant type: single nucleotide variant.
Coding change: c.158G>T on transcript NM_000038.6 (MANE Select); coding-DNA position 158, G replaced by T.
Protein change: p.Gly53Val; replaces glycine 53 with valine.
Molecular consequence: missense variant. On other transcripts: 5 prime UTR variant (4).
Genome position (GRCh38, 1-based): chr5:112,766,348, G>T. VCF-style: chr5-112766348-G-T. GRCh37 (hg19) VCF-style: chr5-112102045-G-T.
Other names: c.158G>T, p.Gly53Val (NM_001127510.3, NM_001354895.2, NM_001354896.2 and 2 more transcripts); c.188G>T, p.Gly63Val (NM_001127511.3, NM_001354897.2, NM_001354902.2); c.83G>T, p.Gly28Val (NM_001354898.2, NM_001354904.2); c.-20G>T (NM_001354900.2, NM_001354901.2, NM_001354905.2); c.-878G>T (NM_001354906.2); short protein forms G28V, G53V, G63V.
Identifiers: ClinVar variation 839426 (VCV000839426.12), dbSNP rs772787939, ClinGen allele CA16021692.
Genomic context (GRCh38, chr5:112,766,348, plus strand): 5'-TAGAATTTCATGTTAATATATTGTGTTCTTTTTAACAGGAAGTACTTAAACAACTACAAG[G>T]AAGTATTGAAGATGAAGCTATGGCTTCTTCTGGACAGATTGATTTATTAGAGCGTCTTAA-3'
Protein context (NP_000029.2, residues 43-63): NMKEVLKQLQ[Gly53Val]SIEDEAMASS